The following is an entry in ClinVar:

ClinVar aggregate classification (germline): Conflicting classifications of pathogenicity. Review status: criteria provided, conflicting classifications (1 of 4 stars). 10 submissions from 10 submitters: Uncertain significance (1); Benign (1); Likely benign (7). 1 of the submissions does not count toward it. Last evaluated 2026-09-21.

Conditions:
Walker-Warburg congenital muscular dystrophy. Also called: Muscular dystrophy-dystroglycanopathy, type A; Walker-Warburg syndrome. Identifiers: Orphanet 899, MedGen C0265221, MONDO:0000171.
Autosomal recessive limb-girdle muscular dystrophy type 2I. Also called: MUSCULAR DYSTROPHY-DYSTROGLYCANOPATHY (LIMB-GIRDLE), TYPE C, 5; MUSCULAR DYSTROPHY-DYSTROGLYCANOPATHY, LIMB-GIRDLE, FRKP-RELATED; MUSCULAR DYSTROPHY, LIMB-GIRDLE, TYPE 2I. Identifiers: Orphanet 34515, MedGen C1846672, MONDO:0011787, OMIM 607155.
Cardiovascular phenotype. Identifiers: MedGen CN230736.

Allele frequency attached by ClinVar (database versions not stated): gnomAD 0.00054 and 0.00057; TOPMed 0.00067; gnomAD exomes 0.00013 and 0.00006; 1000 Genomes Project 30x 0.00016; ExAC 0.00024.
gnomAD v4.1: 163 of 1,542,636 alleles (0.011%); highest among the groups gnomAD compares: African/African-American, 0.21%; no homozygotes.

Submissions (10):

Molecular Diagnostic Laboratory for Inherited Cardiovascular Disease, Montreal Heart Institute
Classification: Benign. Last evaluated: 2026-09-21. Review status: criteria provided, single submitter. Criteria: ACMG Guidelines, 2015. Collection method: clinical testing. Allele origin: germline. Affected: no.
Comment: BP7

Labcorp Genetics (formerly Invitae), Labcorp
Classification: Likely benign for Walker-Warburg congenital muscular dystrophy. Last evaluated: 2026-02-04. Review status: criteria provided, single submitter. Criteria: Invitae Variant Classification Sherloc (09022015). Collection method: clinical testing. Allele origin: germline.

Blueprint Genetics
Classification: Likely benign. Last evaluated: 2024-10-16. Review status: criteria provided, single submitter. Criteria: ACMG Guidelines, 2015. Collection method: clinical testing. Allele origin: germline.

Revvity Omics, Revvity
Classification: Likely benign. Last evaluated: 2023-08-25. Review status: criteria provided, single submitter. Criteria: ACMG Guidelines, 2015. Collection method: clinical testing. Allele origin: germline.

Women's Health and Genetics/Laboratory Corporation of America, LabCorp
Classification: Likely benign. Last evaluated: 2023-08-19. Review status: criteria provided, single submitter. Criteria: LabCorp Variant Classification Summary - May 2015. Collection method: clinical testing. Allele origin: germline.

GeneDx
Classification: Likely benign. Last evaluated: 2021-04-08. Review status: criteria provided, single submitter. Criteria: GeneDx Variant Classification Process June 2021. Collection method: clinical testing. Allele origin: germline. Affected: yes.

Athena Diagnostics
Classification: Likely benign. Last evaluated: 2020-08-21. Review status: criteria provided, single submitter. Criteria: Athena Diagnostics Criteria. Collection method: clinical testing. Allele origin: unknown.

Ambry Genetics
Classification: Likely benign for Cardiovascular phenotype. Last evaluated: 2019-09-20. Review status: criteria provided, single submitter. Criteria: Ambry Variant Classification Scheme 2023. Collection method: clinical testing. Allele origin: germline.

Eurofins Ntd Llc (ga)
Classification: Uncertain significance. Last evaluated: 2017-09-14. Review status: criteria provided, single submitter. Criteria: EGL Classification Definitions 2015. Collection method: clinical testing. Allele origin: germline. Observed: 7 variant alleles, 7 heterozygotes.

Natera, Inc.
Classification: Likely benign for Limb-girdle muscular dystrophy type 2I. Last evaluated: 2019-11-11. Review status: no assertion criteria provided. Collection method: clinical testing. Allele origin: germline. Not counted in ClinVar's aggregate classification.

NM_024301.5(FKRP):c.531G>A (p.Glu177=)

Gene: FKRP (fukutin related protein; plus strand). Cytogenetic location: 19q13.32.
Variant type: single nucleotide variant.
Coding change: c.531G>A on transcript NM_024301.5 (MANE Select); coding-DNA position 531, G replaced by A.
Protein change: p.Glu177=; no amino-acid change (glutamic acid 177 retained).
Molecular consequence: synonymous variant.
Genome position (GRCh38, 1-based): chr19:46,755,981, G>A. VCF-style: chr19-46755981-G-A. GRCh37 (hg19) VCF-style: chr19-47259238-G-A.
Other names: c.531G>A, p.Glu177= (NM_001039885.3).
Identifiers: ClinVar variation 285724 (VCV000285724.27), dbSNP rs768007208, ClinGen allele CA9532159.